The following is an entry in ClinVar:

ClinVar aggregate classification (germline): Uncertain significance (1 of 4 stars; one submission).

Conditions:
Inborn genetic diseases. Identifiers: MedGen C0950123, MeSH D030342.

Submission:

Ambry Genetics
Classification: Uncertain significance for Inborn genetic diseases. Last evaluated: 2022-07-10. Review status: criteria provided, single submitter. Criteria: Ambry Variant Classification Scheme 2023. Collection method: clinical testing. Allele origin: germline.
Comment: The p.M108V variant (also known as c.322A>G), located in coding exon 3 of the EPAS1 gene, results from an A to G substitution at nucleotide position 322. The methionine at codon 108 is replaced by valine, an amino acid with highly similar properties. This amino acid position is conserved. In addition, the in silico prediction for this alteration is inconclusive. Since supporting evidence is limited at this time, the clinical significance of this alteration remains unclear.

NM_001430.5(EPAS1):c.322A>G (p.Met108Val)

Gene: EPAS1 (endothelial PAS domain protein 1; plus strand). Cytogenetic location: 2p21.
Variant type: single nucleotide variant.
Coding change: c.322A>G on transcript NM_001430.5 (MANE Select); coding-DNA position 322, A replaced by G.
Protein change: p.Met108Val; replaces methionine 108 with valine.
Molecular consequence: missense variant.
Genome position (GRCh38, 1-based): chr2:46,356,255, A>G. VCF-style: chr2-46356255-A-G. GRCh37 (hg19) VCF-style: chr2-46583394-A-G.
Other names: short protein forms M108V.
Identifiers: ClinVar variation 1729159 (VCV001729159.2), dbSNP rs2546450471, ClinGen allele CA346697888.
Genomic context (GRCh38, chr2:46,356,255, plus strand): 5'-GACAACTTGTACCTGAAAGCCTTGGAGGGTTTCATTGCCGTGGTGACCCAAGATGGCGAC[A>G]TGATCTTTCTGTCAGAAAACATCAGCAAGTTCATGGGACTTACACAGGTGACACCCTCCT-3'
Protein context (NP_001421.2, residues 98-118): FIAVVTQDGD[Met108Val]IFLSENISKF